The following is an entry in ClinVar:

ClinVar aggregate classification (germline): Uncertain significance. Review status: criteria provided, multiple submitters, no conflicts (2 of 4 stars). 2 submissions from 2 submitters: Uncertain significance (2). Last evaluated 2024-12-02.

Conditions:
Inborn genetic diseases. Identifiers: MedGen C0950123, MeSH D030342.

Allele frequency attached by ClinVar (database versions not stated): ExAC 0.00001; gnomAD exomes 0.00002; TOPMed 0.00004; gnomAD 0.00006 and 0.00007.
gnomAD v4.1: 38 of 1,614,082 alleles (0.0024%); highest among the groups gnomAD compares: South Asian, 0.012%; no homozygotes.

Submissions (2):

Ambry Genetics
Classification: Uncertain significance for Inborn genetic diseases. Last evaluated: 2024-12-02. Review status: criteria provided, single submitter. Criteria: Ambry Variant Classification Scheme 2023. Collection method: clinical testing. Allele origin: germline.

Labcorp Genetics (formerly Invitae), Labcorp
Classification: Uncertain significance. Last evaluated: 2023-12-15. Review status: criteria provided, single submitter. Criteria: Invitae Variant Classification Sherloc (09022015). Collection method: clinical testing. Allele origin: germline.
Comment: This sequence change replaces proline, which is neutral and non-polar, with leucine, which is neutral and non-polar, at codon 2168 of the FN1 protein (p.Pro2168Leu). This variant is present in population databases (rs749306234, gnomAD 0.0009%). This variant has not been reported in the literature in individuals affected with FN1-related conditions. ClinVar contains an entry for this variant (Variation ID: 1424412). Algorithms developed to predict the effect of missense changes on protein structure and function output the following: SIFT: "Not Available"; PolyPhen-2: "Benign"; Align-GVGD: "Not Available". The leucine amino acid residue is found in multiple mammalian species, which suggests that this missense change does not adversely affect protein function. In summary, the available evidence is currently insufficient to determine the role of this variant in disease. Therefore, it has been classified as a Variant of Uncertain Significance.

NM_212482.4(FN1):c.6503C>T (p.Pro2168Leu)

Gene: FN1 (fibronectin 1; minus strand). Cytogenetic location: 2q35.
Variant type: single nucleotide variant.
Coding change: c.6503C>T on transcript NM_212482.4 (MANE Select); coding-DNA position 6503, C replaced by T.
Protein change: p.Pro2168Leu; replaces proline 2168 with leucine.
Molecular consequence: missense variant. On other transcripts: intron variant (3).
Genome position (GRCh38, 1-based): chr2:215,372,120, G>A on the plus strand (C>T on the coding strand, the complement: FN1 is on the minus strand). VCF-style: chr2-215372120-G-A. GRCh37 (hg19) VCF-style: chr2-216236843-G-A.
Other names: c.6503C>T, p.Pro2168Leu (NM_001306129.2); c.5960C>T, p.Pro1987Leu (NM_001306131.2, NM_212476.3); c.5885C>T, p.Pro1962Leu (NM_001306132.2, NM_001365523.2); c.6233C>T, p.Pro2078Leu (NM_001365517.2, NM_001365521.2); c.6230C>T, p.Pro2077Leu (NM_001365518.2, NM_002026.4); c.6158C>T, p.Pro2053Leu (NM_001365519.2, NM_001365522.2); c.6155C>T, p.Pro2052Leu (NM_001365520.2, NM_212478.3); c.5705-105C>T (NM_212474.3); and 3 more; short protein forms P1962L, P2053L, P1987L, P2168L, P2052L, P2077L, P2078L.
Identifiers: ClinVar variation 1424412 (VCV001424412.7), dbSNP rs749306234, ClinGen allele CA2093836.
Genomic context (GRCh38, chr2:215,372,120, plus strand): 5'-TGATAGTCTACATCTTCCCTGGGGATGTGACCAATTTGGATTTCCTCACCTACATTCGGC[G>A]GGTATGGTCTTGGCCTATGCCTTATGGGGGTGGCCGTTGTGGGCGGTGTGGTCCGCCTAA-3'
Protein context (NP_997647.2, residues 2158-2178): TPIRHRPRPY[Pro2168Leu]PNVGEEIQIG